The following is an entry in ClinVar:

NM_133433.4(NIPBL):c.6243C>T (p.Gly2081=)

Gene: NIPBL (NIPBL cohesin loading factor; plus strand). Cytogenetic location: 5p13.2.
Variant type: single nucleotide variant.
Coding change: c.6243C>T on transcript NM_133433.4 (MANE Select); coding-DNA position 6243, C replaced by T.
Protein change: p.Gly2081=; no amino-acid change (glycine 2081 retained).
Molecular consequence: synonymous variant.
Genome position (GRCh38, 1-based): chr5:37,044,481, C>T. VCF-style: chr5-37044481-C-T. GRCh37 (hg19) VCF-style: chr5-37044583-C-T.
Other names: c.6243C>T, p.Gly2081= (NM_015384.5).
Identifiers: ClinVar variation 429237 (VCV000429237.6), dbSNP rs1131691272, ClinGen allele CA443905946.

ClinVar aggregate classification (germline): Uncertain significance. Review status: criteria provided, multiple submitters, no conflicts (2 of 4 stars). 2 submissions from 2 submitters: Uncertain significance (2). Last evaluated 2022-04-11.

Conditions:
Cornelia de Lange syndrome 1 (CDLS1). Also called: Brachmann de Lange syndrome; NIPBL-Related Cornelia de Lange Syndrome; TYPUS DEGENERATIVUS AMSTELODAMENSIS. Identifiers: Orphanet 199, MedGen C4551851, MONDO:0007387, OMIM 122470.

Submissions (2):

Labcorp Genetics (formerly Invitae), Labcorp
Classification: Uncertain significance for Cornelia de Lange syndrome 1. Last evaluated: 2022-04-11. Review status: criteria provided, single submitter. Criteria: Invitae Variant Classification Sherloc (09022015). Collection method: clinical testing. Allele origin: germline.
Comment: In summary, the available evidence is currently insufficient to determine the role of this variant in disease. Therefore, it has been classified as a Variant of Uncertain Significance. This sequence change affects codon 2081 of the NIPBL mRNA. It is a 'silent' change, meaning that it does not change the encoded amino acid sequence of the NIPBL protein. This variant is not present in population databases (gnomAD no frequency). This variant has not been reported in the literature in individuals affected with NIPBL-related conditions. ClinVar contains an entry for this variant (Variation ID: 429237). Algorithms developed to predict the effect of sequence changes on RNA splicing suggest that this variant may create or strengthen a splice site.

GeneDx
Classification: Uncertain significance. Last evaluated: 2017-04-26. Review status: criteria provided, single submitter. Criteria: GeneDx Variant Classification (06012015). Collection method: clinical testing. Allele origin: germline. Affected: yes.
Comment: A variant of unknown significance has been identified in the NIPBL gene. The c.6243 C>T variant has not been published as a pathogenic variant, nor has it been reported as a benign polymorphism to our knowledge. The c.6243 C>T variant was not observed in approximately 6,500 individuals of European and African American ancestry in the NHLBI Exome Sequencing Project, indicating it is not a common benign variant in these populations. This substitution occurs at a nucleotide that is conserved across species. In silico analysis predicts the gain of a slightly stronger cryptic splice donor site for intron 35. Splicing variants have not been reported intron 35 in the Human Gene Mutation Database (Stenson et al., 2009). Therefore, based on the currently available information, it is unclear whether this variant is a pathogenic variant or a rare benign variant.